The following is an entry in ClinVar:

ClinVar aggregate classification (germline): Uncertain significance (1 of 4 stars; one submission).

Conditions:
RASopathy. Also called: rasopathies; Noonan spectrum disorder. Identifiers: Orphanet 536391, MedGen C5555857, MONDO:0021060.

Allele frequency attached by ClinVar (database versions not stated): ExAC 0.00001.
gnomAD v4.1: 1 of 1,590,780 alleles (0.000063%); highest among the groups gnomAD compares: Non-Finnish European, 0.000085%; no homozygotes.

Submission:

Labcorp Genetics (formerly Invitae), Labcorp
Classification: Uncertain significance for RASopathy. Last evaluated: 2025-07-29. Review status: criteria provided, single submitter. Criteria: Invitae Variant Classification Sherloc (09022015). Collection method: clinical testing. Allele origin: germline.
Comment: This sequence change replaces glutamine, which is neutral and polar, with arginine, which is basic and polar, at codon 4 of the SOS1 protein (p.Gln4Arg). This variant is not present in population databases (gnomAD no frequency). This variant has not been reported in the literature in individuals affected with SOS1-related conditions. ClinVar contains an entry for this variant (Variation ID: 2829821). Invitae Evidence Modeling of protein sequence and biophysical properties (such as structural, functional, and spatial information, amino acid conservation, physicochemical variation, residue mobility, and thermodynamic stability) indicates that this missense variant is not expected to disrupt SOS1 protein function with a negative predictive value of 95%. In summary, the available evidence is currently insufficient to determine the role of this variant in disease. Therefore, it has been classified as a Variant of Uncertain Significance.

NM_005633.4(SOS1):c.11A>G (p.Gln4Arg)

Genes: SOS1 (SOS Ras/Rac guanine nucleotide exchange factor 1; minus strand), LOC129933535 (ATAC-STARR-seq lymphoblastoid silent region 11384; plus strand). Cytogenetic location: 2p22.1.
Variant type: single nucleotide variant.
Coding change: c.11A>G on transcript NM_005633.4 (MANE Select); coding-DNA position 11, A replaced by G.
Protein change: p.Gln4Arg; replaces glutamine 4 with arginine.
Molecular consequence: missense variant. On other transcripts: intron variant (1).
Genome position (GRCh38, 1-based): chr2:39,120,412, T>C on the plus strand (A>G on the coding strand, the complement: SOS1 is on the minus strand). VCF-style: chr2-39120412-T-C. GRCh37 (hg19) VCF-style: chr2-39347553-T-C.
Other names: c.11A>G, p.Gln4Arg (NM_001382395.1); c.66+4252A>G (NM_001382394.1); short protein forms Q4R.
Identifiers: ClinVar variation 2829821 (VCV002829821.3), dbSNP rs770627276, ClinGen allele CA1624904.